The following is an entry in ClinVar:

NM_198253.3(TERT):c.1492G>A (p.Gly498Arg)

Gene: TERT (telomerase reverse transcriptase; minus strand). Cytogenetic location: 5p15.33.
Variant type: single nucleotide variant.
Coding change: c.1492G>A on transcript NM_198253.3 (MANE Select); coding-DNA position 1492, G replaced by A.
Protein change: p.Gly498Arg; replaces glycine 498 with arginine.
Molecular consequence: missense variant. On other transcripts: non-coding transcript variant (2).
Genome position (GRCh38, 1-based): chr5:1,293,394, C>T on the plus strand (G>A on the coding strand, the complement: TERT is on the minus strand). VCF-style: chr5-1293394-C-T. GRCh37 (hg19) VCF-style: chr5-1293509-C-T.
Other names: c.1492G>A, p.Gly498Arg (NM_001193376.3); short protein forms G498R.
Identifiers: ClinVar variation 1433131 (VCV001433131.44), dbSNP rs2126683901, ClinGen allele CA359085354.
Genomic context (GRCh38, chr5:1,293,394, plus strand): 5'-CGCAGTCCCGCACGCTCATCTTCCACGTCAGCTCCTGCAGCGAGAGCTTGGCATGCTTCC[C>T]CAGGGAGATGAACTTCTTGGTGTTCCTGAGGAAGCGGCGTTCGTTGTGCCTGGAGCCCCA-3'
Protein context (NP_937983.2, residues 488-508): LRNTKKFISL[Gly498Arg]KHAKLSLQEL

ClinVar aggregate classification (germline): Uncertain significance (1 of 4 stars; one submission).

Conditions:
Idiopathic Pulmonary Fibrosis. Also called: Idiopathic fibrosing alveolitis, chronic form; idiopathic fibrosing alveolitis. Identifiers: Orphanet 2032, MedGen C1800706, MeSH D054990, MONDO:0800504.
Dyskeratosis congenita, autosomal dominant 2. Identifiers: MedGen C3151443, MONDO:0013521, OMIM 613989.

Submission:

Labcorp Genetics (formerly Invitae), Labcorp
Classification: Uncertain significance for Dyskeratosis congenita, autosomal dominant 2; Idiopathic Pulmonary Fibrosis. Last evaluated: 2021-08-01. Review status: criteria provided, single submitter. Criteria: Invitae Variant Classification Sherloc (09022015). Collection method: clinical testing. Allele origin: germline.
Comment: This missense change has been observed in individual(s) with chronic hypersensitivity pneumonitis (PMID: 31268371). This variant is not present in population databases (ExAC no frequency). This sequence change replaces glycine with arginine at codon 498 of the TERT protein (p.Gly498Arg). The glycine residue is highly conserved and there is a moderate physicochemical difference between glycine and arginine. In summary, the available evidence is currently insufficient to determine the role of this variant in disease. Therefore, it has been classified as a Variant of Uncertain Significance. Advanced modeling of protein sequence and biophysical properties (such as structural, functional, and spatial information, amino acid conservation, physicochemical variation, residue mobility, and thermodynamic stability) performed at Invitae indicates that this missense variant is expected to disrupt TERT protein function.

Literature cited by the submitters: PubMed 31268371.